The following is an entry in ClinVar:

ClinVar aggregate classification (germline): Uncertain significance (1 of 4 stars; one submission).

Submission:

GeneDx
Classification: Uncertain significance. Last evaluated: 2025-03-06. Review status: criteria provided, single submitter. Criteria: GeneDx Variant Classification Process June 2021. Collection method: clinical testing. Allele origin: germline. Affected: yes.
Comment: Not observed at significant frequency in large population cohorts (gnomAD); In silico analysis supports that this missense variant has a deleterious effect on protein structure/function; Has not been previously published as pathogenic or benign to our knowledge

NM_001205293.3(CACNA1E):c.3471G>A (p.Met1157Ile)

Gene: CACNA1E (calcium voltage-gated channel subunit alpha1 E; plus strand). Cytogenetic location: 1q25.3.
Variant type: single nucleotide variant.
Coding change: c.3471G>A on transcript NM_001205293.3 (MANE Select); coding-DNA position 3471, G replaced by A.
Protein change: p.Met1157Ile; replaces methionine 1157 with isoleucine.
Molecular consequence: missense variant.
Genome position (GRCh38, 1-based): chr1:181,737,573, G>A. VCF-style: chr1-181737573-G-A. GRCh37 (hg19) VCF-style: chr1-181706709-G-A.
Other names: c.3471G>A, p.Met1157Ile (NM_000721.4); c.3414G>A, p.Met1138Ile (NM_001205294.2); short protein forms M1138I, M1157I.
Identifiers: ClinVar variation 4082858 (VCV004082858.1).
Genomic context (GRCh38, chr1:181,737,573, plus strand): 5'-CACTGCCCGCAGGATCCGGAGGGCCTGCCACTACATCGTGAACCTGCGCTACTTTGAGAT[G>A]TGCATCCTCCTGGTGATTGCAGCCAGCAGCATCGCCCTGGCGGCAGAGGACCCCGTCCTG-3'
Protein context (NP_001192222.1, residues 1147-1167): HYIVNLRYFE[Met1157Ile]CILLVIAASS